The following is an entry in ClinVar:

NM_199420.4(POLQ):c.6898G>C (p.Glu2300Gln)

Gene: POLQ (DNA polymerase theta; minus strand). Cytogenetic location: 3q13.33.
Variant type: single nucleotide variant.
Coding change: c.6898G>C on transcript NM_199420.4 (MANE Select); coding-DNA position 6898, G replaced by C.
Protein change: p.Glu2300Gln; replaces glutamic acid 2300 with glutamine.
Molecular consequence: missense variant.
Genome position (GRCh38, 1-based): chr3:121,467,588, C>G on the plus strand (G>C on the coding strand, the complement: POLQ is on the minus strand). VCF-style: chr3-121467588-C-G. GRCh37 (hg19) VCF-style: chr3-121186435-C-G.
Other names: short protein forms E2300Q.
Identifiers: ClinVar variation 1756017 (VCV001756017.2), dbSNP rs2047848926, ClinGen allele CA354110324.

ClinVar aggregate classification (germline): Uncertain significance (1 of 4 stars; one submission).

Allele frequency attached by ClinVar (database versions not stated): gnomAD 0.00001.
gnomAD v4.1: 1 of 1,613,754 alleles (0.000062%); highest among the groups gnomAD compares: African/African-American, 0.0013%; no homozygotes.

Submission:

Ambry Genetics
Classification: Uncertain significance. Last evaluated: 2022-08-12. Review status: criteria provided, single submitter. Criteria: Ambry Variant Classification Scheme 2023. Collection method: clinical testing. Allele origin: germline.
Comment: The p.E2300Q variant (also known as c.6898G>C), located in coding exon 24 of the POLQ gene, results from a G to C substitution at nucleotide position 6898. The glutamic acid at codon 2300 is replaced by glutamine, an amino acid with highly similar properties. This amino acid position is conserved. In addition, this alteration is predicted to be tolerated by in silico analysis. Since supporting evidence is limited at this time, the clinical significance of this alteration remains unclear.